The following is an entry in ClinVar:

ClinVar aggregate classification (germline): Pathogenic. Review status: criteria provided, multiple submitters, no conflicts (2 of 4 stars). 2 submissions from 2 submitters: Pathogenic (2). Last evaluated 2023-08-15.

Conditions:
Neurofibromatosis, type 1 (NF1). Also called: Peripheral type neurofibromatosis; Neurofibromatosis, type I; VON RECKLINGHAUSEN DISEASE; NEUROFIBROMATOSIS, TYPE I, SOMATIC. Identifiers: Orphanet 636, MedGen C0027831, MONDO:0018975, OMIM 162200. Disease mechanism: loss of function.

Submissions (2):

GeneDx
Classification: Pathogenic. Last evaluated: 2023-08-15. Review status: criteria provided, single submitter. Criteria: GeneDx Variant Classification Process June 2021. Collection method: clinical testing. Allele origin: germline.
Comment: Identified in patients with neurofibromatosis type 1 referred for genetic testing at GeneDx and in the published literature (PMID: 31766501, 34797032); Nonsense variant predicted to result in protein truncation or nonsense mediated decay in a gene for which loss of function is a known mechanism of disease; Not observed at significant frequency in large population cohorts (gnomAD); This variant is associated with the following publications: (PMID: 31766501, 34797032)

Labcorp Genetics (formerly Invitae), Labcorp
Classification: Pathogenic for Neurofibromatosis, type 1. Last evaluated: 2023-05-10. Review status: criteria provided, single submitter. Criteria: Invitae Variant Classification Sherloc (09022015). Collection method: clinical testing. Allele origin: germline.
Comment: ClinVar contains an entry for this variant (Variation ID: 656641). For these reasons, this variant has been classified as Pathogenic. Algorithms developed to predict the effect of sequence changes on RNA splicing suggest that this variant may disrupt the consensus splice site. This premature translational stop signal has been observed in individual(s) with neurofibromatosis, type 1 (PMID: 31766501). This variant is not present in population databases (gnomAD no frequency). This sequence change creates a premature translational stop signal (p.Tyr227*) in the NF1 gene. It is expected to result in an absent or disrupted protein product. Loss-of-function variants in NF1 are known to be pathogenic (PMID: 10712197, 23913538).

Literature cited by the submitters: PubMed 31766501 (cited by Labcorp Genetics (formerly Invitae), Labcorp); PubMed 10712197 (cited by Labcorp Genetics (formerly Invitae), Labcorp); PubMed 23913538 (cited by Labcorp Genetics (formerly Invitae), Labcorp).

NM_001042492.3(NF1):c.681T>G (p.Tyr227Ter)

Gene: NF1 (neurofibromin 1; plus strand). Cytogenetic location: 17q11.2.
Variant type: single nucleotide variant.
Coding change: c.681T>G on transcript NM_001042492.3 (MANE Select); coding-DNA position 681, T replaced by G.
Protein change: p.Tyr227Ter; replaces tyrosine 227 with a stop codon.
Molecular consequence: nonsense.
Genome position (GRCh38, 1-based): chr17:31,181,736, T>G. VCF-style: chr17-31181736-T-G. GRCh37 (hg19) VCF-style: chr17-29508754-T-G.
Other names: c.681T>G, p.Tyr227Ter (NM_000267.4, NM_001128147.3); short protein forms Y227*.
Identifiers: ClinVar variation 656641 (VCV000656641.6), dbSNP rs745804540, ClinGen allele CA398989869.
Genomic context (GRCh38, chr17:31,181,736, plus strand): 5'-ATCACTGTAAAGACATGTGGTTCTTTATTTATAGGCATTTTGGAACTGGGTAGAAAATTA[T>G]CCAGATGAATTTACAAAACTGTACCAGATCCCACAGACTGATATGGCTGGTAAGGATACG-3'